The following is an entry in ClinVar:

ClinVar aggregate classification (germline): Uncertain significance. Review status: criteria provided, multiple submitters, no conflicts (2 of 4 stars). 2 submissions from 2 submitters: Uncertain significance (2). Last evaluated 2025-11-23.

Conditions:
Renal cell carcinoma. Identifiers: Orphanet 217071, MedGen C0007134, MeSH D002292, MONDO:0005086, HP:0005584.

Submissions (2):

Labcorp Genetics (formerly Invitae), Labcorp
Classification: Uncertain significance for Renal cell carcinoma. Last evaluated: 2025-11-23. Review status: criteria provided, single submitter. Criteria: Invitae Variant Classification Sherloc (09022015). Collection method: clinical testing. Allele origin: germline.
Comment: This sequence change replaces tyrosine, which is neutral and polar, with histidine, which is basic and polar, at codon 1044 of the MET protein (p.Tyr1044His). This variant is not present in population databases (gnomAD no frequency). This variant has not been reported in the literature in individuals affected with MET-related conditions. ClinVar contains an entry for this variant (Variation ID: 2689423). An algorithm developed to predict the effect of missense changes on protein structure and function (PolyPhen-2) suggests that this variant is likely to be disruptive. In summary, the available evidence is currently insufficient to determine the role of this variant in disease. Therefore, it has been classified as a Variant of Uncertain Significance.

Revvity Omics, Revvity
Classification: Uncertain significance. Last evaluated: 2023-03-15. Review status: criteria provided, single submitter. Criteria: ACMG Guidelines, 2015. Collection method: clinical testing. Allele origin: germline.

NM_000245.4(MET):c.3076T>C (p.Tyr1026His)

Gene: MET (MET proto-oncogene, receptor tyrosine kinase; plus strand). Cytogenetic location: 7q31.2.
Variant type: single nucleotide variant.
Coding change: c.3076T>C on transcript NM_000245.4 (MANE Select); coding-DNA position 3076, T replaced by C.
Protein change: p.Tyr1026His; replaces tyrosine 1026 with histidine.
Molecular consequence: missense variant.
Genome position (GRCh38, 1-based): chr7:116,774,928, T>C. VCF-style: chr7-116774928-T-C. GRCh37 (hg19) VCF-style: chr7-116414982-T-C.
Other names: c.3130T>C, p.Tyr1044His (NM_001127500.3); c.1786T>C, p.Tyr596His (NM_001324402.2); short protein forms Y1026H, Y1044H, Y596H.
Identifiers: ClinVar variation 2689423 (VCV002689423.3), dbSNP rs1484799408, ClinGen allele CA368987956.